The following is an entry in ClinVar:

ClinVar aggregate classification (germline): Pathogenic (1 of 4 stars; one submission).

Conditions:
3-Oxo-5 alpha-steroid delta 4-dehydrogenase deficiency (PPSH). Also called: PSEUDOVAGINAL PERINEOSCROTAL HYPOSPADIAS; FAMILIAL INCOMPLETE MALE PSEUDOHERMAPHRODITISM, TYPE 2; MALE PSEUDOHERMAPHRODITISM DUE TO 5-ALPHA-REDUCTASE DEFICIENCY; 46,XY disorder of sex development due to 5-alpha-reductase 2 deficiency. Identifiers: Orphanet 753, MedGen C0268297, MONDO:0009923, OMIM 264600. Disease mechanism: loss of function.

Submission:

Women's Health and Genetics/Laboratory Corporation of America, LabCorp
Classification: Pathogenic for 3-Oxo-5 alpha-steroid delta 4-dehydrogenase deficiency. Last evaluated: 2026-05-27. Review status: criteria provided, single submitter. Criteria: LabCorp Variant Classification Summary - May 2015. Collection method: clinical testing. Allele origin: germline.
Comment: Variant summary: The variant involves the deletion of exon 1 in the SRD5A2 gene. The exact breakpoint at the 5' end of this variant is unknown, therefore this deletion may extend upstream of the annotated region of this gene. Although the exact breakpoints of this deletion are not known, it is predicted to remove the initiation codon and result in an absence of protein or a truncation of the encoded protein due to translation initiation at a downstream site. Loss-of-function variants in this gene are known to be pathogenic. A deletion, matching exon 1 of the SRD5A2 gene was found at a frequency of 1.7e-05 in 120780 control chromosomes in the gnomAD database (Structural Variants v4.1 dataset). Similar copy number variants have been observed in multiple individuals affected with 3-Oxo-5 alpha-steroid delta 4-dehydrogenase deficiency (e.g. Kocova_2019, Mao_2025). These data indicate that the variant is very likely to be associated with disease. To our knowledge, no experimental evidence demonstrating an impact on protein function has been reported. The following publications have been ascertained in the context of this evaluation (PMID: 31942420, 39314038). ClinVar contains an entry for this variant (Variation ID: 3247146). Based on the evidence outlined above, the variant was classified as pathogenic.

Literature cited by the submitters: PubMed 31942420; PubMed 39314038.

NC_000002.11:g.(31758837_31805689)_(31806008_?)del

Gene: SRD5A2 (steroid 5 alpha-reductase 2; minus strand). Cytogenetic location: 2p23.1.
Variant type: Deletion.
Identifiers: ClinVar variation 4853632 (VCV004853632.1).